The following is an entry in ClinVar:

ClinVar aggregate classification (germline): Uncertain significance (1 of 4 stars; one submission).

Allele frequency attached by ClinVar (database versions not stated): gnomAD exomes below 0.00001.

Submission:

Labcorp Genetics (formerly Invitae), Labcorp
Classification: Uncertain significance. Last evaluated: 2023-12-14. Review status: criteria provided, single submitter. Criteria: Invitae Variant Classification Sherloc (09022015). Collection method: clinical testing. Allele origin: germline.
Comment: This sequence change replaces methionine, which is neutral and non-polar, with leucine, which is neutral and non-polar, at codon 123 of the CD46 protein (p.Met123Leu). This variant is not present in population databases (gnomAD no frequency). This variant has not been reported in the literature in individuals affected with CD46-related conditions. Advanced modeling of protein sequence and biophysical properties (such as structural, functional, and spatial information, amino acid conservation, physicochemical variation, residue mobility, and thermodynamic stability) performed at Invitae indicates that this missense variant is not expected to disrupt CD46 protein function with a negative predictive value of 80%. In summary, the available evidence is currently insufficient to determine the role of this variant in disease. Therefore, it has been classified as a Variant of Uncertain Significance.

NM_172351.3(CD46):c.367A>T (p.Met123Leu)

Gene: CD46 (CD46 molecule; plus strand). Cytogenetic location: 1q32.2.
Variant type: single nucleotide variant.
Coding change: c.367A>T on transcript NM_172351.3 (MANE Select); coding-DNA position 367, A replaced by T.
Protein change: p.Met123Leu; replaces methionine 123 with leucine.
Molecular consequence: missense variant.
Genome position (GRCh38, 1-based): chr1:207,757,620, A>T. VCF-style: chr1-207757620-A-T. GRCh37 (hg19) VCF-style: chr1-207930965-A-T.
Other names: c.367A>T, p.Met123Leu (NM_002389.4, NM_153826.4, NM_172350.3 and 8 more transcripts); short protein forms M123L.
Identifiers: ClinVar variation 2878384 (VCV002878384.3), dbSNP rs2526411230, ClinGen allele CA344548509.
Genomic context (GRCh38, chr1:207,757,620, plus strand): 5'-CGGGATCCTTTAAATGGCCAAGCAGTCCCTGCAAATGGGACTTACGAGTTTGGTTATCAG[A>T]TGCACTTTATTTGTAATGAGGGGTAAGTTGCTCCTTAGAGGAAATAAGGGAAGTGTTAGT-3'
Protein context (NP_758861.1, residues 113-133): ANGTYEFGYQ[Met123Leu]HFICNEGYYL